The following is an entry in ClinVar:

ClinVar aggregate classification (germline): Uncertain significance (1 of 4 stars; one submission).

Conditions:
Spastic paraplegia. Identifiers: MedGen C0037772, HP:0001258.

Submission:

Labcorp Genetics (formerly Invitae), Labcorp
Classification: Uncertain significance for Spastic paraplegia. Last evaluated: 2022-09-10. Review status: criteria provided, single submitter. Criteria: Invitae Variant Classification Sherloc (09022015). Collection method: clinical testing. Allele origin: germline.
Comment: This sequence change falls in intron 3 of the CYP7B1 gene. It does not directly change the encoded amino acid sequence of the CYP7B1 protein. It affects a nucleotide within the consensus splice site. This variant is not present in population databases (gnomAD no frequency). This variant has been observed in individual(s) with clinical features of hereditary spastic paraplegia (Invitae). Variants that disrupt the consensus splice site are a relatively common cause of aberrant splicing (PMID: 17576681, 9536098). Algorithms developed to predict the effect of sequence changes on RNA splicing suggest that this variant may disrupt the consensus splice site. In summary, the available evidence is currently insufficient to determine the role of this variant in disease. Therefore, it has been classified as a Variant of Uncertain Significance.

Literature cited by the submitters: PubMed 17576681; PubMed 9536098.

NM_004820.5(CYP7B1):c.850+4del

Gene: CYP7B1 (cytochrome P450 family 7 subfamily B member 1; minus strand). Cytogenetic location: 8q12.3.
Variant type: Deletion.
Coding change: c.850+4del on transcript NM_004820.5 (MANE Select); 4 bases into the intron after coding-DNA position 850, one base deleted (A; older notation c.850+4delA).
Molecular consequence: intron variant.
Genome position (GRCh38, 1-based): chr8:64,615,687, T deleted on the plus strand (A on the coding strand, the reverse complement: CYP7B1 is on the minus strand); the first of 2 consecutive T bases (chr8:64,615,687-64,615,688); deleting either gives the same sequence. VCF-style (leftmost placement, unchanged base first): chr8-64615686-CT-C. GRCh37 (hg19) VCF-style: chr8-65528243-CT-C.
Other names: c.850+4del (NM_001324112.2).
Identifiers: ClinVar variation 2030004 (VCV002030004.4), dbSNP rs2487189616, ClinGen allele CA2580078867.
Genomic context (GRCh38, chr8:64,615,686, plus strand): 5'-TTTTATTTCAGAGGTCTATTGTAAATGATTTTATTTTAGGCAAGTGCTCATTCAGAAGTT[CT>C]TACCTCCTATTTCAAGGTCCTCGTGCACATAATATTTCTCCAGGACATCTTGCCTGCTTT-3'